The following is an entry in ClinVar:

ClinVar aggregate classification (germline): Pathogenic (1 of 4 stars; one submission).

Conditions:
Glycogen storage disease IXc (GSD9C). Also called: GSD IXc. Identifiers: Orphanet 264580, MedGen C2751643, MONDO:0013091, OMIM 613027.

Submission:

Labcorp Genetics (formerly Invitae), Labcorp
Classification: Pathogenic for Glycogen storage disease IXc. Last evaluated: 2023-02-15. Review status: criteria provided, single submitter. Criteria: Invitae Variant Classification Sherloc (09022015). Collection method: clinical testing. Allele origin: germline.
Comment: This variant is not present in population databases (gnomAD no frequency). This variant has not been reported in the literature in individuals affected with PHKG2-related conditions. For these reasons, this variant has been classified as Pathogenic. This sequence change creates a premature translational stop signal (p.Lys18Argfs*9) in the PHKG2 gene. It is expected to result in an absent or disrupted protein product. Loss-of-function variants in PHKG2 are known to be pathogenic (PMID: 8896567, 17689125, 21646031).

Literature cited by the submitters: PubMed 8896567; PubMed 17689125; PubMed 21646031.

NM_000294.3(PHKG2):c.53_54del (p.Lys18fs)

Gene: PHKG2 (phosphorylase kinase catalytic subunit gamma 2; plus strand). Cytogenetic location: 16p11.2.
Variant type: Deletion.
Coding change: c.53_54del on transcript NM_000294.3 (MANE Select); coding-DNA positions 53 to 54, 2 bases deleted (AA; older notation c.53_54delAA).
Protein change: p.Lys18fs; shifts the reading frame from lysine 18.
Molecular consequence: frameshift variant.
Genome position (GRCh38, 1-based): chr16:30,748,873-30,748,874, AA deleted; deleting any 2 consecutive bases within chr16:30,748,872-30,748,874 gives the same sequence; the c. name uses the placement nearest the transcript's 3' end. VCF-style (leftmost placement, unchanged base first): chr16-30748871-CAA-C. GRCh37 (hg19) VCF-style: chr16-30760192-CAA-C.
Other names: c.53_54del, p.Lys18fs (NM_001172432.2); short protein forms K18fs.
Identifiers: ClinVar variation 2834443 (VCV002834443.3), dbSNP rs2543449141, ClinGen allele CA2739266722.